The following is an entry in ClinVar:

ClinVar aggregate classification (germline): Benign/Likely benign. Review status: criteria provided, multiple submitters, no conflicts (2 of 4 stars). 3 submissions from 3 submitters: Benign (1); Likely benign (2). Last evaluated 2026-01-20.

Allele frequency attached by ClinVar (database versions not stated): 1000 Genomes Project 0.00020; 1000 Genomes Project 30x 0.00047.
gnomAD v4.1: 211 of 1,614,056 alleles (0.013%); highest among the groups gnomAD compares: South Asian, 0.21%; 1 homozygote.

Submissions (3):

Labcorp Genetics (formerly Invitae), Labcorp
Classification: Benign. Last evaluated: 2026-01-20. Review status: criteria provided, single submitter. Criteria: Invitae Variant Classification Sherloc (09022015). Collection method: clinical testing. Allele origin: germline.

Blueprint Genetics
Classification: Likely benign. Last evaluated: 2024-11-23. Review status: criteria provided, single submitter. Criteria: ACMG Guidelines, 2015. Collection method: clinical testing. Allele origin: germline.

GeneDx
Classification: Likely benign. Last evaluated: 2018-05-30. Review status: criteria provided, single submitter. Criteria: GeneDx Variant Classification (06012015). Collection method: clinical testing. Allele origin: germline. Affected: yes.
Comment: This variant is considered likely benign or benign based on one or more of the following criteria: it is a conservative change, it occurs at a poorly conserved position in the protein, it is predicted to be benign by multiple in silico algorithms, and/or has population frequency not consistent with disease.

NM_000391.4(TPP1):c.688-18C>G

Gene: TPP1 (tripeptidyl peptidase 1; minus strand). Cytogenetic location: 11p15.4.
Variant type: single nucleotide variant.
Coding change: c.688-18C>G on transcript NM_000391.4 (MANE Select); 18 bases into the intron before coding-DNA position 688, C replaced by G.
Molecular consequence: intron variant.
Genome position (GRCh38, 1-based): chr11:6,616,877, G>C on the plus strand (C>G on the coding strand, the complement: TPP1 is on the minus strand). VCF-style: chr11-6616877-G-C. GRCh37 (hg19) VCF-style: chr11-6638108-G-C.
Identifiers: ClinVar variation 679841 (VCV000679841.10), dbSNP rs376868997, ClinGen allele CA5858856.